The following is an entry in ClinVar:

NM_000381.4(MID1):c.731T>C (p.Leu244Pro)

Gene: MID1 (midline 1; minus strand). Cytogenetic location: Xp22.2.
Variant type: single nucleotide variant.
Coding change: c.731T>C on transcript NM_000381.4 (MANE Select); coding-DNA position 731, T replaced by C.
Protein change: p.Leu244Pro; replaces leucine 244 with proline.
Molecular consequence: missense variant.
Genome position (GRCh38, 1-based): chrX:10,523,117, A>G on the plus strand (T>C on the coding strand, the complement: MID1 is on the minus strand). VCF-style: chrX-10523117-A-G. GRCh37 (hg19) VCF-style: chrX-10491157-A-G.
Other names: c.731T>C, p.Leu244Pro (NM_001098624.2, NM_001193277.1, NM_001193278.1 and 3 more transcripts); c.617T>C, p.Leu206Pro (NM_001193280.1, NM_033289.2); short protein forms L206P, L244P.
Identifiers: ClinVar variation 4294349 (VCV004294349.2).

ClinVar aggregate classification (germline): Likely pathogenic (1 of 4 stars; one submission).

Conditions:
X-linked Opitz G/BBB syndrome (GBBB). Also called: OPITZ BBBG SYNDROME, TYPE I; OPITZ SYNDROME, X-LINKED; OPITZ-G SYNDROME, TYPE I; Opitz-Frias syndrome; MID1-Related Opitz G/BBB Syndrome. Identifiers: Orphanet 2745, MedGen C2936904, MONDO:0010222, OMIM 300000.

Submission:

Laboratorio de Biologia Molecular/Medicina Genomica - IFF/Fiocruz, Instituto Fernandes Figueira, Fundacao Oswaldo Cruz
Classification: Likely pathogenic for X-linked Opitz G/BBB syndrome. Last evaluated: 2026-03-13. Review status: criteria provided, single submitter. Criteria: ACMG Guidelines, 2015. Collection method: clinical testing. Allele origin: germline. Affected: yes. Observed: 2 variant alleles.
Comment: Variant: c.731T>C (p.Leu244Pro) in exon 3 of the MID1 gene. Zygosity and phenotype: Identified in the hemizygous state in two affected cousins from the same family, both presenting features consistent with Opitz GBBB syndrome. Protein effect: Missense substitution. This residue is highly conserved across species. In silico evidence: Pathogenicity predictors indicate a deleterious effect on protein function (REVEL score: 0.725). Population data: Absent or extremely rare in population databases (gnomAD). Segregation data: The variant co-segregates with the phenotype in affected family members, according to internal clinical and genetic data. ACMG/AMP criteria applied: PM2_Supporting, PP3, PP4, PP1_Strong.